The following is an entry in ClinVar:

ClinVar aggregate classification (germline): Pathogenic (1 of 4 stars; one submission).

Conditions:
Hypertrophic cardiomyopathy. Also called: HYPERTROPHIC MYOCARDIOPATHY. Identifiers: Orphanet 217569, MedGen C0007194, MeSH D002312, MONDO:0005045, HP:0001639.

Submission:

Labcorp Genetics (formerly Invitae), Labcorp
Classification: Pathogenic for Hypertrophic cardiomyopathy. Last evaluated: 2024-04-29. Review status: criteria provided, single submitter. Criteria: Invitae Variant Classification Sherloc (09022015). Collection method: clinical testing. Allele origin: germline.
Comment: This sequence change creates a premature translational stop signal (p.Thr1042Leufs*4) in the MYBPC3 gene. It is expected to result in an absent or disrupted protein product. Loss-of-function variants in MYBPC3 are known to be pathogenic (PMID: 19574547). This variant is not present in population databases (gnomAD no frequency). This variant has not been reported in the literature in individuals affected with MYBPC3-related conditions. ClinVar contains an entry for this variant (Variation ID: 1387917). Algorithms developed to predict the effect of sequence changes on RNA splicing suggest that this variant may disrupt the consensus splice site. For these reasons, this variant has been classified as Pathogenic.

Literature cited by the submitters: PubMed 19574547.

NM_000256.3(MYBPC3):c.3124del (p.Thr1042fs)

Gene: MYBPC3 (myosin binding protein C3; minus strand). Cytogenetic location: 11p11.2.
Variant type: Deletion.
Coding change: c.3124del on transcript NM_000256.3 (MANE Select); coding-DNA position 3124, one base deleted (A; older notation c.3124delA).
Protein change: p.Thr1042fs; shifts the reading frame from threonine 1042.
Molecular consequence: frameshift variant.
Genome position (GRCh38, 1-based): chr11:47,333,623, T deleted on the plus strand (A on the coding strand, the reverse complement: MYBPC3 is on the minus strand). VCF-style (leftmost placement, unchanged base first): chr11-47333622-GT-G. GRCh37 (hg19) VCF-style: chr11-47355173-GT-G.
Other names: short protein forms T1042fs.
Identifiers: ClinVar variation 1387917 (VCV001387917.6), dbSNP rs2142851443, ClinGen allele CA2573146370.
Genomic context (GRCh38, chr11:47,333,622, plus strand): 5'-ACCTGCAGCACCAGCGTGGCCTTGTCCTCCATGTTCTCAATGCGCACCGTCACCTGGTAA[GT>G]GCCTGAATGCACGCGGCGAGCGGCCCGGATGAACAGGATGGTGTCTGTGGGGCTGTTGCG-3'